The following is an entry in ClinVar:

ClinVar aggregate classification (germline): Likely pathogenic (1 of 4 stars; one submission).

Conditions:
Familial aortopathy. Identifiers: MedGen CN078214.

Submission:

Women's Health and Genetics/Laboratory Corporation of America, LabCorp
Classification: Likely pathogenic for Familial aortopathy. Last evaluated: 2026-06-08. Review status: criteria provided, single submitter. Criteria: LabCorp Variant Classification Summary - May 2015. Collection method: clinical testing. Allele origin: germline.
Comment: Variant summary: COL3A1 c.1637G>T (p.Gly546Val) results in a non-conservative amino acid change located in the Collagen triple helix repeat of the encoded protein sequence. This variant disrupts the triple helix domain of COL3A1. Glycine residues within the Gly-Xaa-Yaa repeats of the triple helix domain are required for the structure and stability of fibrillar collagens (PMID: 7695699, 8218237, 19344236). Algorithms developed to predict the effect of missense changes on protein structure and function all suggest that this variant is likely to be disruptive. The variant was absent in 251260 control chromosomes. To our knowledge, no occurrence of c.1637G>T in individuals affected with COL3A1-related conditions and no experimental evidence demonstrating its impact on protein function have been reported. No submitters have cited clinical-significance assessments for this variant to ClinVar. Based on the evidence outlined above, the variant was classified as likely pathogenic.

NM_000090.4(COL3A1):c.1637G>T (p.Gly546Val)

Gene: COL3A1 (collagen type III alpha 1 chain; plus strand). Cytogenetic location: 2q32.2.
Variant type: single nucleotide variant.
Coding change: c.1637G>T on transcript NM_000090.4 (MANE Select); coding-DNA position 1637, G replaced by T.
Protein change: p.Gly546Val; replaces glycine 546 with valine.
Molecular consequence: missense variant.
Genome position (GRCh38, 1-based): chr2:188,996,153, G>T. VCF-style: chr2-188996153-G-T. GRCh37 (hg19) VCF-style: chr2-189860879-G-T.
Other names: short protein forms G546V.
Identifiers: ClinVar variation 4887435 (VCV004887435.1).